The following is an entry in ClinVar:

ClinVar aggregate classification (germline): Conflicting classifications of pathogenicity. Review status: criteria provided, conflicting classifications (1 of 4 stars). 4 submissions from 4 submitters: Uncertain significance (3); Likely benign (1). Last evaluated 2024-09-15.

Conditions:
Hereditary cancer-predisposing syndrome. Also called: Neoplastic Syndromes, Hereditary; Tumor predisposition; Hereditary neoplastic syndrome; Hereditary Cancer Syndrome. Identifiers: Orphanet 140162, MedGen C0027672, MeSH D009386, MONDO:0015356.
Hereditary breast ovarian cancer syndrome. Also called: Hereditary breast and ovarian cancer syndrome; Hereditary breast and ovarian cancer; Hereditary breast and ovarian cancer syndrome (HBOC); Breast and ovarian cancer; Hereditary breast and/or ovarian cancer syndrome; BRCA1- and BRCA2-Associated Hereditary Breast and Ovarian Cancer. Identifiers: Orphanet 145, MedGen C0677776, MeSH D061325, MONDO:0003582. Disease mechanism: loss of function.

Submissions (4):

GeneDx
Classification: Uncertain significance. Last evaluated: 2024-09-15. Review status: criteria provided, single submitter. Criteria: GeneDx Variant Classification Process June 2021. Collection method: clinical testing. Allele origin: germline. Affected: yes.
Comment: Observed in a patient suspected of having hereditary breast and ovarian cancer (PMID: 28111427); In silico analysis supports that this missense variant has a deleterious effect on protein structure/function; Not observed at significant frequency in large population cohorts (gnomAD); Also known as 3435C>T; This variant is associated with the following publications: (PMID: 30367782, 28111427)

University of Washington Department of Laboratory Medicine, University of Washington
Classification: Likely benign for Hereditary cancer-predisposing syndrome. Last evaluated: 2023-03-23. Review status: criteria provided, single submitter. Criteria: Dines et al. (Genet Med. 2020). Collection method: curation. Allele origin: germline.
Comment: Missense variant in a coldspot region where missense variants are very unlikely to be pathogenic (PMID:31911673).

BRCA1 coldspot (exon 11 using historical exon numbering). Reclassification based on statistical prior probability

Labcorp Genetics (formerly Invitae), Labcorp
Classification: Uncertain significance for Hereditary breast ovarian cancer syndrome. Last evaluated: 2022-05-13. Review status: criteria provided, single submitter. Criteria: Invitae Variant Classification Sherloc (09022015). Collection method: clinical testing. Allele origin: germline.
Comment: In summary, the available evidence is currently insufficient to determine the role of this variant in disease. Therefore, it has been classified as a Variant of Uncertain Significance. Advanced modeling of protein sequence and biophysical properties (such as structural, functional, and spatial information, amino acid conservation, physicochemical variation, residue mobility, and thermodynamic stability) performed at Invitae indicates that this missense variant is not expected to disrupt BRCA1 protein function. ClinVar contains an entry for this variant (Variation ID: 630122). This missense change has been observed in individual(s) with personal and/or family history of breast or ovarian cancer (PMID: 28111427). This variant is not present in population databases (gnomAD no frequency). This sequence change replaces proline, which is neutral and non-polar, with serine, which is neutral and polar, at codon 1106 of the BRCA1 protein (p.Pro1106Ser).

Color Diagnostics, LLC DBA Color Health
Classification: Uncertain significance for Hereditary cancer-predisposing syndrome. Last evaluated: 2019-04-08. Review status: criteria provided, single submitter. Criteria: ACMG Guidelines, 2015. Collection method: clinical testing. Allele origin: germline.

Literature cited by the submitters: PubMed 28111427 (cited by Labcorp Genetics (formerly Invitae), Labcorp).

NM_007294.4(BRCA1):c.3316C>T (p.Pro1106Ser)

Genes: BRCA1 (BRCA1 DNA repair associated; minus strand), LOC126862571 (BRD4-independent group 4 enhancer GRCh37_chr17:41243136-41244335; plus strand). Cytogenetic location: 17q21.31.
Variant type: single nucleotide variant.
Coding change: c.3316C>T on transcript NM_007294.4 (MANE Select); coding-DNA position 3316, C replaced by T.
Protein change: p.Pro1106Ser; replaces proline 1106 with serine.
Molecular consequence: missense variant. On other transcripts: intron variant (137).
Genome position (GRCh38, 1-based): chr17:43,092,215, G>A on the plus strand (C>T on the coding strand, the complement: BRCA1 is on the minus strand). VCF-style: chr17-43092215-G-A. GRCh37 (hg19) VCF-style: chr17-41244232-G-A.
Other names: c.665-1183C>T (NM_001408436.1, NM_001408444.1, NM_001408438.1 and 12 more transcripts); c.788-1183C>T (NM_001407980.1, NM_001407993.1, NM_001407976.1 and 17 more transcripts); c.653-1183C>T (NM_001408451.1); c.644-1183C>T (NM_001408464.1, NM_001408468.1, NM_001408465.1 and 3 more transcripts); c.524-1183C>T (NM_001408498.1, NM_001408501.1, NM_001408500.1 and 3 more transcripts); c.647-1183C>T (NM_001408467.1, NM_001408459.1, NM_001408455.1 and 11 more transcripts); c.584-1183C>T (NM_001408475.1); c.710-1183C>T (NM_001408412.1, NM_001408409.1, NM_001408414.1 and 2 more transcripts); and 41 more; short protein forms P1106S, P1059S, P1035S, P1036S, P1065S, P994S, P1039S, P1079S.
Identifiers: ClinVar variation 630122 (VCV000630122.12), dbSNP rs45599040, ClinGen allele CA10595352.